The following is an entry in ClinVar:

NM_152383.5(DIS3L2):c.2618A>C (p.Glu873Ala)

Gene: DIS3L2 (DIS3 like 3'-5' exoribonuclease 2; plus strand). Cytogenetic location: 2q37.1.
Variant type: single nucleotide variant.
Coding change: c.2618A>C on transcript NM_152383.5 (MANE Select); coding-DNA position 2618, A replaced by C.
Protein change: p.Glu873Ala; replaces glutamic acid 873 with alanine.
Molecular consequence: missense variant. On other transcripts: non-coding transcript variant (2), intron variant (1).
Genome position (GRCh38, 1-based): chr2:232,336,590, A>C. VCF-style: chr2-232336590-A-C. GRCh37 (hg19) VCF-style: chr2-233201300-A-C.
Other names: c.1582-6755A>C (NM_001257281.2); short protein forms E873A.
Identifiers: ClinVar variation 1002181 (VCV001002181.8), dbSNP rs1695958446, ClinGen allele CA350979081.

ClinVar aggregate classification (germline): Uncertain significance (1 of 4 stars; one submission).

Conditions:
Perlman syndrome (PRLMNS). Identifiers: Orphanet 2849, MedGen C0796113, MONDO:0009965, OMIM 267000.

Submission:

Labcorp Genetics (formerly Invitae), Labcorp
Classification: Uncertain significance for Perlman syndrome. Last evaluated: 2022-07-19. Review status: criteria provided, single submitter. Criteria: Invitae Variant Classification Sherloc (09022015). Collection method: clinical testing. Allele origin: germline.
Comment: This sequence change replaces glutamic acid, which is acidic and polar, with alanine, which is neutral and non-polar, at codon 873 of the DIS3L2 protein (p.Glu873Ala). In summary, the available evidence is currently insufficient to determine the role of this variant in disease. Therefore, it has been classified as a Variant of Uncertain Significance. Algorithms developed to predict the effect of missense changes on protein structure and function are either unavailable or do not agree on the potential impact of this missense change (SIFT: "Tolerated"; PolyPhen-2: "Not Available"; Align-GVGD: "Class C0"). ClinVar contains an entry for this variant (Variation ID: 1002181). This variant has not been reported in the literature in individuals affected with DIS3L2-related conditions. This variant is not present in population databases (gnomAD no frequency).